The following is an entry in ClinVar:

NM_004304.5(ALK):c.4565T>C (p.Ile1522Thr)

Gene: ALK (ALK receptor tyrosine kinase; minus strand). Cytogenetic location: 2p23.2.
Variant type: single nucleotide variant.
Coding change: c.4565T>C on transcript NM_004304.5 (MANE Select); coding-DNA position 4565, T replaced by C.
Protein change: p.Ile1522Thr; replaces isoleucine 1522 with threonine.
Molecular consequence: missense variant.
Genome position (GRCh38, 1-based): chr2:29,193,522, A>G on the plus strand (T>C on the coding strand, the complement: ALK is on the minus strand). VCF-style: chr2-29193522-A-G. GRCh37 (hg19) VCF-style: chr2-29416388-A-G.
Other names: c.4565T>C (NM_004304.4); c.1361T>C, p.Ile454Thr (NM_001353765.2); short protein forms I1522T, I454T.
Identifiers: ClinVar variation 1364429 (VCV001364429.7), dbSNP rs771352312, ClinGen allele CA1593543.
Genomic context (GRCh38, chr2:29,193,522, plus strand): 5'-GGGACAGTACAGCTTCCCTCCAGCCCCAGGTTACCCCTGTCGTGTGGCTCCTTCTTTGCT[A>G]TAGGATTATTCTTTTTGGTGGGTTTCTCTGTAAACCAGGAGCCGTACGTTGGGTTCCACA-3'
Protein context (NP_004295.2, residues 1512-1532): TEKPTKKNNP[Ile1522Thr]AKKEPHDRGN

ClinVar aggregate classification (germline): Uncertain significance. Review status: criteria provided, multiple submitters, no conflicts (2 of 4 stars). 2 submissions from 2 submitters: Uncertain significance (2). Last evaluated 2023-11-20.

Conditions:
Hereditary cancer-predisposing syndrome. Also called: Hereditary neoplastic syndrome; Hereditary Cancer Syndrome; Neoplastic Syndromes, Hereditary; Tumor predisposition. Identifiers: Orphanet 140162, MedGen C0027672, MeSH D009386, MONDO:0015356.
Neuroblastoma, susceptibility to, 3. Also called: ALK-Related Neuroblastic Tumor Susceptibility. Identifiers: Orphanet 635, MedGen C2751681, MONDO:0013083, OMIM 613014.

Allele frequency attached by ClinVar (database versions not stated): ExAC 0.00001; gnomAD exomes 0.00001.
gnomAD v4.1: 3 of 1,613,994 alleles (0.00019%); highest among the groups gnomAD compares: South Asian, 0.0033%; no homozygotes.

Submissions (2):

Labcorp Genetics (formerly Invitae), Labcorp
Classification: Uncertain significance for Neuroblastoma, susceptibility to, 3. Last evaluated: 2023-11-20. Review status: criteria provided, single submitter. Criteria: Invitae Variant Classification Sherloc (09022015). Collection method: clinical testing. Allele origin: germline.
Comment: This sequence change replaces isoleucine, which is neutral and non-polar, with threonine, which is neutral and polar, at codon 1522 of the ALK protein (p.Ile1522Thr). This variant is present in population databases (rs771352312, gnomAD 0.006%). This variant has not been reported in the literature in individuals affected with ALK-related conditions. ClinVar contains an entry for this variant (Variation ID: 1364429). An algorithm developed to predict the effect of missense changes on protein structure and function (PolyPhen-2) suggests that this variant is likely to be tolerated. In summary, the available evidence is currently insufficient to determine the role of this variant in disease. Therefore, it has been classified as a Variant of Uncertain Significance.

Ambry Genetics
Classification: Uncertain significance for Hereditary cancer-predisposing syndrome. Last evaluated: 2023-01-17. Review status: criteria provided, single submitter. Criteria: Ambry Variant Classification Scheme 2023. Collection method: clinical testing. Allele origin: germline.
Comment: The p.I1522T variant (also known as c.4565T>C), located in coding exon 29 of the ALK gene, results from a T to C substitution at nucleotide position 4565. The isoleucine at codon 1522 is replaced by threonine, an amino acid with similar properties. This amino acid position is conserved. In addition, this alteration is predicted to be tolerated by in silico analysis. Since supporting evidence is limited at this time, the clinical significance of this alteration remains unclear.